The following is an entry in ClinVar:

NM_001927.4(DES):c.559C>T (p.Leu187=)

Gene: DES (desmin; plus strand). Cytogenetic location: 2q35.
Variant type: single nucleotide variant.
Coding change: c.559C>T on transcript NM_001927.4 (MANE Select); coding-DNA position 559, C replaced by T.
Protein change: p.Leu187=; no amino-acid change (leucine 187 retained).
Molecular consequence: synonymous variant. On other transcripts: intron variant (1).
Genome position (GRCh38, 1-based): chr2:219,419,021, C>T. VCF-style: chr2-219419021-C-T. GRCh37 (hg19) VCF-style: chr2-220283743-C-T.
Other names: c.559C>T (NM_001927.3); c.559C>T, p.Leu187= (NM_001382708.1, NM_001382709.1, NM_001382710.1 and 2 more transcripts); c.495+64C>T (NM_001382713.1).
Identifiers: ClinVar variation 1088216 (VCV001088216.11), dbSNP rs1314756792, ClinGen allele CA431284042.
Genomic context (GRCh38, chr2:219,419,021, plus strand): 5'-GAGGTGCTCACTAACCAGCGCGCGCGCGTCGACGTCGAGCGCGACAACCTGCTCGACGAC[C>T]TGCAGCGGCTCAAGGCCAAGTGAGGGCCCGGCACCCCAGACTCCTCTTTCTGCGGGCAGG-3'
Protein context (NP_001918.3, residues 177-197): DVERDNLLDD[Leu187=]QRLKAKLQEE

ClinVar aggregate classification (germline): Likely benign. Review status: criteria provided, multiple submitters, no conflicts (2 of 4 stars). 3 submissions from 3 submitters: Likely benign (3). Last evaluated 2024-04-25.

Conditions:
Cardiovascular phenotype. Identifiers: MedGen CN230736.
Desmin-related myofibrillar myopathy (MFM1). Also called: MYOFIBRILLAR MYOPATHY WITH ARRHYTHMOGENIC RIGHT VENTRICULAR CARDIOMYOPATHY; DESMIN-RELATED MYOPATHY WITH ARRHYTHMOGENIC RIGHT VENTRICULAR CARDIOMYOPATHY; Myofibrillar myopathy 1; Desminopathy; Desmin related myopathy (former name); Desmin storage myopathy (former name). Identifiers: Orphanet 363543, Orphanet 98909, MedGen C1832370, MONDO:0011076, OMIM 601419.

Allele frequency attached by ClinVar (database versions not stated): gnomAD 0.00001; gnomAD exomes 0.00001.

Submissions (3):

Labcorp Genetics (formerly Invitae), Labcorp
Classification: Likely benign for Desmin-related myofibrillar myopathy. Last evaluated: 2024-04-25. Review status: criteria provided, single submitter. Criteria: Invitae Variant Classification Sherloc (09022015). Collection method: clinical testing. Allele origin: germline.

Ambry Genetics
Classification: Likely benign for Cardiovascular phenotype. Last evaluated: 2024-01-27. Review status: criteria provided, single submitter. Criteria: Ambry Variant Classification Scheme 2023. Collection method: clinical testing. Allele origin: germline.

Phosphorus, Inc.
Classification: Likely benign. Last evaluated: 2022-01-17. Review status: criteria provided, single submitter. Criteria: ACMG Guidelines, 2015. Collection method: clinical testing. Allele origin: germline. Inheritance: Autosomal recessive inheritance.
Comment: This synonymous variant has an entry in ClinVar (1088216) NM_001927.4 (DES): c.559C>T (p.Leu187=) and has occurred in GnomAD with a total MAF of 0.0015%. This position is conserved. In silico splicing algorithm was unavailable, however it is not predicted to impact splicing due to its distance from the splice site. No functional studies were performed to confirm this prediction. The variant has not occurred in literature associated with disease. Considering the above evidence, this variant has been classified as Likely Benign.